The following is an entry in ClinVar:

ClinVar aggregate classification (germline): Uncertain significance. Review status: criteria provided, multiple submitters, no conflicts (2 of 4 stars). 2 submissions from 2 submitters: Uncertain significance (2). Last evaluated 2023-05-23.

Conditions:
Amyotrophic lateral sclerosis type 1 (ALS1). Also called: AMYOTROPHIC LATERAL SCLEROSIS 1, FAMILIAL. Identifiers: Orphanet 803, MedGen C1862939, MONDO:0007103, OMIM 105400.
Neuronopathy, distal hereditary motor, type 7B. Also called: LOWER MOTOR NEURON DISEASE, DYNACTIN TYPE; Distal Hereditary Motor Neuronopathy Type 7B (dHMN7B); NEURONOPATHY, DISTAL HEREDITARY MOTOR, AUTOSOMAL DOMINANT 14; NEURONOPATHY, DISTAL HEREDITARY MOTOR, HARDING TYPE VIIB; NEUROPATHY, DISTAL HEREDITARY MOTOR, HARDING TYPE VIIB; NEUROPATHY, DISTAL HEREDITARY MOTOR, WITH VOCAL CORD PARALYSIS, HARDING TYPE VIIB. Identifiers: Orphanet 139589, MedGen C1843315, MONDO:0011879, OMIM 607641.
Perry syndrome. Also called: PARKINSONISM WITH ALVEOLAR HYPOVENTILATION AND MENTAL DEPRESSION. Identifiers: Orphanet 178509, MedGen C1868594, MONDO:0008201, OMIM 168605.

Allele frequency attached by ClinVar (database versions not stated): gnomAD 0.00001; TOPMed 0.00001.
gnomAD v4.1: 1 of 1,614,068 alleles (0.000062%); highest among the groups gnomAD compares: African/African-American, 0.0013%; no homozygotes.

Submissions (2):

Labcorp Genetics (formerly Invitae), Labcorp
Classification: Uncertain significance for Amyotrophic lateral sclerosis type 1; Neuronopathy, distal hereditary motor, type 7B; Perry syndrome. Last evaluated: 2023-05-23. Review status: criteria provided, single submitter. Criteria: Invitae Variant Classification Sherloc (09022015). Collection method: clinical testing. Allele origin: germline.
Comment: In summary, the available evidence is currently insufficient to determine the role of this variant in disease. Therefore, it has been classified as a Variant of Uncertain Significance. Advanced modeling of protein sequence and biophysical properties (such as structural, functional, and spatial information, amino acid conservation, physicochemical variation, residue mobility, and thermodynamic stability) performed at Invitae indicates that this missense variant is not expected to disrupt DCTN1 protein function. ClinVar contains an entry for this variant (Variation ID: 284225). This variant has not been reported in the literature in individuals affected with DCTN1-related conditions. This variant is not present in population databases (gnomAD no frequency). This sequence change replaces arginine, which is basic and polar, with glycine, which is neutral and non-polar, at codon 532 of the DCTN1 protein (p.Arg532Gly).

Eurofins Ntd Llc (ga)
Classification: Uncertain significance. Last evaluated: 2015-11-18. Review status: criteria provided, single submitter. Criteria: EGL Classification Definitions 2015. Collection method: clinical testing. Allele origin: germline. Observed: 1 variant allele, 1 heterozygote.

NM_004082.5(DCTN1):c.1594C>G (p.Arg532Gly)

Gene: DCTN1 (dynactin subunit 1; minus strand). Cytogenetic location: 2p13.1.
Variant type: single nucleotide variant.
Coding change: c.1594C>G on transcript NM_004082.5 (MANE Select); coding-DNA position 1594, C replaced by G.
Protein change: p.Arg532Gly; replaces arginine 532 with glycine.
Molecular consequence: missense variant. On other transcripts: non-coding transcript variant (1).
Genome position (GRCh38, 1-based): chr2:74,369,205, G>C on the plus strand (C>G on the coding strand, the complement: DCTN1 is on the minus strand). VCF-style: chr2-74369205-G-C. GRCh37 (hg19) VCF-style: chr2-74596332-G-C.
Other names: c.1534C>G, p.Arg512Gly (NM_001135040.3); c.1192C>G, p.Arg398Gly (NM_001135041.3, NM_023019.4); c.1483C>G, p.Arg495Gly (NM_001190836.2); c.1573C>G, p.Arg525Gly (NM_001190837.2); c.1543C>G, p.Arg515Gly (NM_001378991.1); c.1525C>G, p.Arg509Gly (NM_001378992.1); short protein forms R532G, R398G, R495G, R525G, R512G, R509G, R515G.
Identifiers: ClinVar variation 284225 (VCV000284225.10), dbSNP rs563630664, ClinGen allele CA10604726.
Genomic context (GRCh38, chr2:74,369,205, plus strand): 5'-TCTCTGGAGGTGGCTGCTGTTGCCTCTCCACAGATGCTTCCTGCTGGTTTGTCAGTTCCC[G>C]ATTCACATCCTAGGAGGAGAGACAGTGAAGCACAGCTGGGTCATAAGGAAGCCCTGGGGT-3'
Protein context (NP_004073.2, residues 522-542): QLTAHLQDVN[Arg532Gly]ELTNQQEASV